The following is an entry in ClinVar:

NM_020975.6(RET):c.1549C>A (p.Leu517Met)

Gene: RET (ret proto-oncogene; plus strand). Cytogenetic location: 10q11.21.
Variant type: single nucleotide variant.
Coding change: c.1549C>A on transcript NM_020975.6 (MANE Select); coding-DNA position 1549, C replaced by A.
Protein change: p.Leu517Met; replaces leucine 517 with methionine.
Molecular consequence: missense variant.
Genome position (GRCh38, 1-based): chr10:43,112,125, C>A. VCF-style: chr10-43112125-C-A. GRCh37 (hg19) VCF-style: chr10-43607573-C-A.
Other names: c.1549C>A, p.Leu517Met (NM_000323.2, NM_001406743.1, NM_001406744.1 and 6 more transcripts); c.787C>A, p.Leu263Met (NM_001355216.2); c.1420C>A, p.Leu474Met (NM_001406761.1, NM_001406762.1, NM_001406764.1 and 1 more transcripts); c.1261C>A, p.Leu421Met (NM_001406766.1, NM_001406767.1, NM_001406770.1); c.1153C>A, p.Leu385Met (NM_001406769.1, NM_001406772.1); c.1111C>A, p.Leu371Met (NM_001406771.1, NM_001406773.1); c.1024C>A, p.Leu342Met (NM_001406774.1); c.823C>A, p.Leu275Met (NM_001406775.1, NM_001406776.1, NM_001406777.1 and 1 more transcripts); and 5 more; short protein forms L122M, L218M, L474M, L187M, L342M, L517M, L263M, L275M.
Identifiers: ClinVar variation 1774993 (VCV001774993.4), dbSNP rs764616982, ClinGen allele CA376550301.

ClinVar aggregate classification (germline): Uncertain significance. Review status: criteria provided, multiple submitters, no conflicts (2 of 4 stars). 2 submissions from 2 submitters: Uncertain significance (2). Last evaluated 2026-01-28.

Conditions:
Hereditary cancer-predisposing syndrome. Also called: Hereditary Cancer Syndrome; Hereditary neoplastic syndrome; Neoplastic Syndromes, Hereditary; Tumor predisposition. Identifiers: Orphanet 140162, MedGen C0027672, MeSH D009386, MONDO:0015356.
Multiple endocrine neoplasia, type 2 (MEN2). Identifiers: Orphanet 653, MedGen C4048306, MONDO:0019003. Disease mechanism: gain of function.

gnomAD v4.1: 1 of 1,601,550 alleles (0.000062%); highest among the groups gnomAD compares: Non-Finnish European, 0.000085%; no homozygotes.

Submissions (2):

Labcorp Genetics (formerly Invitae), Labcorp
Classification: Uncertain significance for Multiple endocrine neoplasia, type 2. Last evaluated: 2026-01-28. Review status: criteria provided, single submitter. Criteria: Invitae Variant Classification Sherloc (09022015). Collection method: clinical testing. Allele origin: germline.
Comment: This sequence change replaces leucine, which is neutral and non-polar, with methionine, which is neutral and non-polar, at codon 517 of the RET protein (p.Leu517Met). This variant is not present in population databases (gnomAD no frequency). This variant has not been reported in the literature in individuals affected with RET-related conditions. ClinVar contains an entry for this variant (Variation ID: 1774993). An algorithm developed to predict the effect of missense changes on protein structure and function (PolyPhen-2) suggests that this variant is likely to be tolerated. In summary, the available evidence is currently insufficient to determine the role of this variant in disease. Therefore, it has been classified as a Variant of Uncertain Significance.

Ambry Genetics
Classification: Uncertain significance for Hereditary cancer-predisposing syndrome. Last evaluated: 2022-09-21. Review status: criteria provided, single submitter. Criteria: Ambry Variant Classification Scheme 2023. Collection method: clinical testing. Allele origin: germline.
Comment: The p.L517M variant (also known as c.1549C>A), located in coding exon 8 of the RET gene, results from a C to A substitution at nucleotide position 1549. The leucine at codon 517 is replaced by methionine, an amino acid with highly similar properties. This amino acid position is conserved. In addition, the in silico prediction for this alteration is inconclusive. Since supporting evidence is limited at this time, the clinical significance of this alteration remains unclear.